The following is an entry in ClinVar:

ClinVar aggregate classification (germline): Uncertain significance. Review status: criteria provided, multiple submitters, no conflicts (2 of 4 stars). 3 submissions from 3 submitters: Uncertain significance (3). Last evaluated 2024-05-02.

Conditions:
Inborn genetic diseases. Identifiers: MedGen C0950123, MeSH D030342.
Autosomal recessive limb-girdle muscular dystrophy type 2O. Also called: Limb-Girdle Muscular Dystrophy Type 3C; MUSCULAR DYSTROPHY-DYSTROGLYCANOPATHY (LIMB-GIRDLE), TYPE C, 3; MUSCULAR DYSTROPHY-DYSTROGLYCANOPATHY, LIMB-GIRDLE, POMGNT1-RELATED. Identifiers: Orphanet 206564, MedGen C3150417, MONDO:0013161, OMIM 613157.
Muscular dystrophy-dystroglycanopathy (congenital with impaired intellectual development), type B, 3. Also called: Muscular dystrophy-dystroglycanopathy (congenital with intellectual disability), type B3; MUSCULAR DYSTROPHY, CONGENITAL, POMGNT1-RELATED. Identifiers: MedGen C3150412, MONDO:0013155, OMIM 613151.

gnomAD v4.1: 4 of 1,614,190 alleles (0.00025%); highest among the groups gnomAD compares: Non-Finnish European, 0.00034%; no homozygotes.

Submissions (3):

Ambry Genetics
Classification: Uncertain significance for Inborn genetic diseases. Last evaluated: 2024-05-02. Review status: criteria provided, single submitter. Criteria: Ambry Variant Classification Scheme 2023. Collection method: clinical testing. Allele origin: germline.

Blueprint Genetics
Classification: Uncertain significance. Last evaluated: 2022-10-04. Review status: criteria provided, single submitter. Criteria: ACMG Guidelines, 2015. Collection method: clinical testing. Allele origin: germline.

Labcorp Genetics (formerly Invitae), Labcorp
Classification: Uncertain significance for Autosomal recessive limb-girdle muscular dystrophy type 2O; Muscular dystrophy-dystroglycanopathy (congenital with impaired intellectual development), type B, 3. Last evaluated: 2022-03-31. Review status: criteria provided, single submitter. Criteria: Invitae Variant Classification Sherloc (09022015). Collection method: clinical testing. Allele origin: germline.
Comment: This sequence change replaces lysine, which is basic and polar, with asparagine, which is neutral and polar, at codon 459 of the POMGNT1 protein (p.Lys459Asn). This variant is not present in population databases (gnomAD no frequency). This variant has not been reported in the literature in individuals affected with POMGNT1-related conditions. Advanced modeling of protein sequence and biophysical properties (such as structural, functional, and spatial information, amino acid conservation, physicochemical variation, residue mobility, and thermodynamic stability) performed at Invitae indicates that this missense variant is not expected to disrupt POMGNT1 protein function. In summary, the available evidence is currently insufficient to determine the role of this variant in disease. Therefore, it has been classified as a Variant of Uncertain Significance.

NM_017739.4(POMGNT1):c.1377G>C (p.Lys459Asn)

Genes: POMGNT1 (protein O-linked mannose N-acetylglucosaminyltransferase 1 (beta 1,2-); minus strand), TSPAN1 (tetraspanin 1; plus strand). Cytogenetic location: 1p34.1.
Variant type: single nucleotide variant.
Coding change: c.1377G>C on transcript NM_017739.4 (MANE Select); coding-DNA position 1377, G replaced by C.
Protein change: p.Lys459Asn; replaces lysine 459 with asparagine.
Molecular consequence: missense variant.
Genome position (GRCh38, 1-based): chr1:46,192,344, C>G on the plus strand (G>C on the coding strand, the complement: POMGNT1 is on the minus strand). VCF-style: chr1-46192344-C-G. GRCh37 (hg19) VCF-style: chr1-46658016-C-G.
Other names: c.1377G>C, p.Lys459Asn (NM_001243766.2, NM_001410783.1); c.1311G>C, p.Lys437Asn (NM_001290129.3); c.948G>C, p.Lys316Asn (NM_001290130.2); short protein forms K316N, K437N, K459N.
Identifiers: ClinVar variation 2059044 (VCV002059044.3), dbSNP rs768983994, ClinGen allele CA340175077.